The following is an entry in ClinVar:

ClinVar aggregate classification (germline): Uncertain significance (1 of 4 stars; one submission).

Allele frequency attached by ClinVar (database versions not stated): gnomAD exomes below 0.00001.
gnomAD v4.1: 3 of 1,600,656 alleles (0.00019%); highest among the groups gnomAD compares: Non-Finnish European, 0.00026%; no homozygotes.

Submission:

Labcorp Genetics (formerly Invitae), Labcorp
Classification: Uncertain significance. Last evaluated: 2022-02-05. Review status: criteria provided, single submitter. Criteria: Invitae Variant Classification Sherloc (09022015). Collection method: clinical testing. Allele origin: germline.
Comment: In summary, the available evidence is currently insufficient to determine the role of this variant in disease. Therefore, it has been classified as a Variant of Uncertain Significance. Algorithms developed to predict the effect of missense changes on protein structure and function (SIFT, PolyPhen-2, Align-GVGD) all suggest that this variant is likely to be tolerated. This variant has not been reported in the literature in individuals affected with ZCCHC8-related conditions. This variant is not present in population databases (gnomAD no frequency). This sequence change replaces serine, which is neutral and polar, with cysteine, which is neutral and slightly polar, at codon 212 of the ZCCHC8 protein (p.Ser212Cys).

NM_017612.5(ZCCHC8):c.635C>G (p.Ser212Cys)

Gene: ZCCHC8 (zinc finger CCHC-type containing 8; minus strand). Cytogenetic location: 12q24.31.
Variant type: single nucleotide variant.
Coding change: c.635C>G on transcript NM_017612.5 (MANE Select); coding-DNA position 635, C replaced by G.
Protein change: p.Ser212Cys; replaces serine 212 with cysteine.
Molecular consequence: missense variant. On other transcripts: intron variant (3).
Genome position (GRCh38, 1-based): chr12:122,483,315, G>C on the plus strand (C>G on the coding strand, the complement: ZCCHC8 is on the minus strand). VCF-style: chr12-122483315-G-C. GRCh37 (hg19) VCF-style: chr12-122967862-G-C.
Other names: c.338C>G, p.Ser113Cys (NM_001350936.2); c.-43-620C>G (NM_001350938.2, NM_001350937.2); c.502-1228C>G (NM_001350935.2); short protein forms S212C, S113C.
Identifiers: ClinVar variation 1515153 (VCV001515153.8), dbSNP rs1172580064, ClinGen allele CA482208422.
Genomic context (GRCh38, chr12:122,483,315, plus strand): 5'-AACAAAACAACTCCCCACACAAACCTTTTTGCCTTTACTTGTATTTCTTGCCCTTCTAGA[G>C]AAACAATGTGGCTGAAGACTTGATGGTACCTTTAGTGAATTTTATTAAGGAATAGTTATC-3'
Protein context (NP_060082.2, residues 202-222): KYHQVFSHIV[Ser212Cys]LEGQEIQVKA